The following is an entry in ClinVar:

ClinVar aggregate classification (germline): Uncertain significance. Review status: criteria provided, multiple submitters, no conflicts (2 of 4 stars). 2 submissions from 2 submitters: Uncertain significance (2). Last evaluated 2023-08-03.

Conditions:
Inborn genetic diseases. Identifiers: MedGen C0950123, MeSH D030342.

Allele frequency attached by ClinVar (database versions not stated): ExAC 0.00001; gnomAD 0.00001; TOPMed 0.00004.
gnomAD v4.1: 56 of 1,614,074 alleles (0.0035%); highest among the groups gnomAD compares: Non-Finnish European, 0.0046%; no homozygotes.

Submissions (2):

Labcorp Genetics (formerly Invitae), Labcorp
Classification: Uncertain significance. Last evaluated: 2023-08-03. Review status: criteria provided, single submitter. Criteria: Invitae Variant Classification Sherloc (09022015). Collection method: clinical testing. Allele origin: germline.
Comment: In summary, the available evidence is currently insufficient to determine the role of this variant in disease. Therefore, it has been classified as a Variant of Uncertain Significance. Advanced modeling of protein sequence and biophysical properties (such as structural, functional, and spatial information, amino acid conservation, physicochemical variation, residue mobility, and thermodynamic stability) performed at Invitae indicates that this missense variant is not expected to disrupt UMOD protein function. ClinVar contains an entry for this variant (Variation ID: 999489). This variant has not been reported in the literature in individuals affected with UMOD-related conditions. This variant is present in population databases (rs762556085, gnomAD 0.007%). This sequence change replaces valine, which is neutral and non-polar, with leucine, which is neutral and non-polar, at codon 13 of the UMOD protein (p.Val13Leu).

Ambry Genetics
Classification: Uncertain significance for Inborn genetic diseases. Last evaluated: 2023-05-26. Review status: criteria provided, single submitter. Criteria: Ambry Variant Classification Scheme 2023. Collection method: clinical testing. Allele origin: germline.

NM_003361.4(UMOD):c.37G>C (p.Val13Leu)

Gene: UMOD (uromodulin; minus strand). Cytogenetic location: 16p12.3.
Variant type: single nucleotide variant.
Coding change: c.37G>C on transcript NM_003361.4 (MANE Select); coding-DNA position 37, G replaced by C.
Protein change: p.Val13Leu; replaces valine 13 with leucine.
Molecular consequence: missense variant. On other transcripts: non-coding transcript variant (1).
Genome position (GRCh38, 1-based): chr16:20,350,701, C>G on the plus strand (G>C on the coding strand, the complement: UMOD is on the minus strand). VCF-style: chr16-20350701-C-G. GRCh37 (hg19) VCF-style: chr16-20362023-C-G.
Other names: c.37G>C, p.Val13Leu (NM_001008389.3, NM_001278614.2, NM_001378232.1 and 4 more transcripts); c.37G>C (NM_003361.2); short protein forms V13L.
Identifiers: ClinVar variation 999489 (VCV000999489.10), dbSNP rs762556085, ClinGen allele CA7939546.